The following is an entry in ClinVar:

NM_001909.5(CTSD):c.69-2A>G

Genes: CTSD (cathepsin D; minus strand), PRADX (PRC2 and DDX5 associated lncRNA; plus strand). Cytogenetic location: 11p15.5.
Variant type: single nucleotide variant.
Coding change: c.69-2A>G on transcript NM_001909.5 (MANE Select); the canonical splice acceptor site of the intron before coding-DNA position 69, A replaced by G.
Molecular consequence: splice acceptor variant. On other transcripts: non-coding transcript variant (1).
Genome position (GRCh38, 1-based): chr11:1,761,470, T>C on the plus strand (A>G on the coding strand, the complement: CTSD is on the minus strand). VCF-style: chr11-1761470-T-C. GRCh37 (hg19) VCF-style: chr11-1782700-T-C.
Identifiers: ClinVar variation 3648985 (VCV003648985.2).

ClinVar aggregate classification (germline): Likely pathogenic (1 of 4 stars; one submission).

Conditions:
Neuronal ceroid lipofuscinosis. Also called: Neuronal Ceroid Lipofuscinoses. Identifiers: Orphanet 216, Orphanet 79263, MedGen C0027877, MONDO:0016295. Disease mechanism: loss of function.

Submission:

Labcorp Genetics (formerly Invitae), Labcorp
Classification: Likely pathogenic for Neuronal ceroid lipofuscinosis. Last evaluated: 2024-05-01. Review status: criteria provided, single submitter. Criteria: Invitae Variant Classification Sherloc (09022015). Collection method: clinical testing. Allele origin: germline.
Comment: This sequence change affects an acceptor splice site in intron 1 of the CTSD gene. It is expected to disrupt RNA splicing. Variants that disrupt the donor or acceptor splice site typically lead to a loss of protein function (PMID: 16199547), and loss-of-function variants in CTSD are known to be pathogenic (PMID: 16670177, 26059544). This variant is not present in population databases (gnomAD no frequency). This variant has not been reported in the literature in individuals affected with CTSD-related conditions. Algorithms developed to predict the effect of sequence changes on RNA splicing suggest that this variant may disrupt the consensus splice site. In summary, the currently available evidence indicates that the variant is pathogenic, but additional data are needed to prove that conclusively. Therefore, this variant has been classified as Likely Pathogenic.

Literature cited by the submitters: PubMed 16199547; PubMed 16670177; PubMed 26059544.